The following is an entry in ClinVar:

ClinVar aggregate classification (germline): Pathogenic (1 of 4 stars; one submission).

Conditions:
Autosomal recessive nonsyndromic hearing loss 77. Identifiers: Orphanet 90636, MedGen C2746083, MONDO:0013119, OMIM 613079.

Submission:

Myriad Genetics, Inc.
Classification: Pathogenic for Autosomal recessive nonsyndromic hearing loss 77. Last evaluated: 2026-05-19. Review status: criteria provided, single submitter. Criteria: Myriad Autosomal Dominant, Autosomal Recessive and X-Linked Classification Criteria (2023). Collection method: clinical testing. Allele origin: unknown.
Comment: NM_144612.6(LOXHD1):c.3114_3123del10(D1039Sfs*3) is a frameshift variant classified as pathogenic in the context of nonsyndromic hearing loss, LOXHD1-related. D1039Sfs*3 has not been observed in cases with relevant disease. Relevant functional assessments of this variant are not available in the literature. D1039Sfs*3 has not been observed in referenced population frequency databases. In summary, NM_144612.6(LOXHD1):c.3114_3123del10(D1039Sfs*3) is a frameshift variant in a gene where loss of function is a known mechanism of disease and is predicted to disrupt protein function. Please note: this variant was assessed in the context of healthy population screening.

NM_001384474.1(LOXHD1):c.3114_3123del (p.Asp1039fs)

Gene: LOXHD1 (lipoxygenase homology PLAT domains 1; minus strand). Cytogenetic location: 18q21.1.
Variant type: Deletion.
Coding change: c.3114_3123del on transcript NM_001384474.1 (MANE Select); coding-DNA positions 3114 to 3123, 10 bases deleted (TGATGCTAAC; older notation c.3114_3123delTGATGCTAAC).
Protein change: p.Asp1039fs; shifts the reading frame from aspartic acid 1039.
Molecular consequence: frameshift variant.
Genome position (GRCh38, 1-based): chr18:46,559,541-46,559,550, GTTAGCATCA deleted on the plus strand (TGATGCTAAC on the coding strand, the reverse complement: LOXHD1 is on the minus strand); deleting any 10 consecutive bases within chr18:46,559,541-46,559,552 gives the same sequence; the c. name uses the placement nearest the transcript's 3' end. VCF-style (leftmost placement, unchanged base first): chr18-46559540-CGTTAGCATCA-C. GRCh37 (hg19) VCF-style: chr18-44139503-CGTTAGCATCA-C.
Other names: c.3114_3123del, p.Asp1039fs (NM_144612.7); short protein forms D1039fs.
Identifiers: ClinVar variation 5004687 (VCV005004687.1).
Genomic context (GRCh38, chr18:46,559,540, plus strand): 5'-ACTTCTTCAGGGGTCGTTCGCCCGTGTCTCCATACTCCTCGCCGTAGATGGTTAGGTAGA[CGTTAGCATCA>C]GTGCCGGCCTTGGGCACATTCCCCGTGACCACCTGAACCTCATAGGTGTTTCCTGTAGAC-3'